The following is an entry in ClinVar:

ClinVar aggregate classification (germline): Uncertain significance (1 of 4 stars; one submission).

Conditions:
DYNC1H1-related disorder. Also called: DYNC1H1-related condition; DYNC1H1-related disorders. Identifiers: MedGen CN381529.

gnomAD v4.1: 3 of 1,614,238 alleles (0.00019%); highest among the groups gnomAD compares: Non-Finnish European, 0.00025%; no homozygotes.

Submission:

PreventionGenetics, part of Exact Sciences
Classification: Uncertain significance for DYNC1H1-related condition. Last evaluated: 2025-08-20. Review status: criteria provided, single submitter. Criteria: ACMG Guidelines, 2015. Collection method: clinical testing. Allele origin: germline.
Comment: The DYNC1H1 c.4501A>G variant is predicted to result in the amino acid substitution p.Ile1501Val. To our knowledge, this variant has not been reported in the literature or in a large population database (gnomAD), indicating this variant is rare. At this time, the clinical significance of this variant is uncertain due to the absence of conclusive functional and genetic evidence.

NM_001376.5(DYNC1H1):c.4501A>G (p.Ile1501Val)

Gene: DYNC1H1 (dynein cytoplasmic 1 heavy chain 1; plus strand). Cytogenetic location: 14q32.31.
Variant type: single nucleotide variant.
Coding change: c.4501A>G on transcript NM_001376.5 (MANE Select); coding-DNA position 4501, A replaced by G.
Protein change: p.Ile1501Val; replaces isoleucine 1501 with valine.
Molecular consequence: missense variant.
Genome position (GRCh38, 1-based): chr14:102,001,640, A>G. VCF-style: chr14-102001640-A-G. GRCh37 (hg19) VCF-style: chr14-102467977-A-G.
Other names: short protein forms I1501V.
Identifiers: ClinVar variation 4990394 (VCV004990394.1).